The following is an entry in ClinVar:

ClinVar aggregate classification (germline): Conflicting classifications of pathogenicity. Review status: criteria provided, conflicting classifications (1 of 4 stars). 5 submissions from 5 submitters: Pathogenic (2); Uncertain significance (1); Uncertain risk allele (1). 1 of the submissions does not count toward it. Last evaluated 2026-04-23.

Conditions:
Neurohypophyseal diabetes insipidus. Also called: Diabetes Insipidus, Neurogenic; DIABETES INSIPIDUS, PRIMARY CENTRAL; Hereditary arginine vasopressin deficiency. Identifiers: Orphanet 178029, Orphanet 30925, MedGen C0342394, MONDO:0007450, OMIM 125700.

Submissions (5):

GeneDx
Classification: Uncertain significance. Last evaluated: 2026-04-23. Review status: criteria provided, single submitter. Criteria: GeneDx Variant Classification Process June 2021. Collection method: clinical testing. Allele origin: germline.
Comment: Not observed at significant frequency in large population cohorts (gnomAD); In silico analysis supports that this missense variant has a deleterious effect on protein structure/function; This variant is associated with the following publications: (PMID: 8626836, 8706292, 31238300)

Labcorp Genetics (formerly Invitae), Labcorp
Classification: Pathogenic. Last evaluated: 2025-11-03. Review status: criteria provided, single submitter. Criteria: Invitae Variant Classification Sherloc (09022015). Collection method: clinical testing. Allele origin: germline.
Comment: This sequence change replaces glycine, which is neutral and non-polar, with valine, which is neutral and non-polar, at codon 96 of the AVP protein (p.Gly96Val). This variant is not present in population databases (gnomAD no frequency). This missense change has been observed in individuals with familial neurohypophyseal diabetes insipidus (PMID: 8626836, 8706292, 31238300). It has also been observed to segregate with disease in related individuals. This variant is also known as p.Gly65Val. ClinVar contains an entry for this variant (Variation ID: 12211). An algorithm developed to predict the effect of missense changes on protein structure and function (PolyPhen-2) suggests that this variant is likely to be disruptive. This variant disrupts the p.Gly96 amino acid residue in AVP. Other variant(s) that disrupt this residue have been observed in individuals with AVP-related conditions (PMID: 19129716, 25654069), which suggests that this may be a clinically significant amino acid residue. For these reasons, this variant has been classified as Pathogenic.

Institute of Human Genetics, University of Leipzig Medical Center
Classification: Pathogenic for Neurohypophyseal diabetes insipidus. Last evaluated: 2020-09-30. Review status: criteria provided, single submitter. Criteria: ACMG Guidelines, 2015. Collection method: clinical testing. Allele origin: unknown. Affected: yes.

Clinical Genomics, Uppaluri K&H Personalized Medicine Clinic
Classification: Uncertain risk allele for Neurohypophyseal diabetes insipidus. Review status: criteria provided, single submitter. Criteria: K And H Uppaluri Personalized Medicine Clinic Variant Classification And Assertion Criteria Updated V 2. Collection method: research. Allele origin: unknown. Inheritance: Autosomal dominant inheritance.
Comment: Potent mutations in AVP gene can lead to decreased production of Anti Diuretic hormone which leads to central Diabetes insipidus.However, the role of this particular rs121964886 variant in Diabetes insipidus is yet to be ascertained.

OMIM
Classification: Pathogenic for DIABETES INSIPIDUS, NEUROHYPOPHYSEAL. Last evaluated: 1996-05-01. Review status: no assertion criteria provided. Collection method: literature only. Allele origin: germline. Not counted in ClinVar's aggregate classification.

Literature cited by the submitters: PubMed 8626836 (cited by Labcorp Genetics (formerly Invitae), Labcorp and OMIM); PubMed 8706292 (cited by Labcorp Genetics (formerly Invitae), Labcorp); PubMed 31238300 (cited by Labcorp Genetics (formerly Invitae), Labcorp); PubMed 19129716 (cited by Labcorp Genetics (formerly Invitae), Labcorp); PubMed 25654069 (cited by Labcorp Genetics (formerly Invitae), Labcorp); PubMed 34718110 (cited by Clinical Genomics, Uppaluri K&H Personalized Medicine Clinic); PubMed 28476225 (cited by Clinical Genomics, Uppaluri K&H Personalized Medicine Clinic); PubMed 16093448 (cited by Clinical Genomics, Uppaluri K&H Personalized Medicine Clinic).

NM_000490.5(AVP):c.287G>T (p.Gly96Val)

Gene: AVP (arginine vasopressin; minus strand). Cytogenetic location: 20p13.
Variant type: single nucleotide variant.
Coding change: c.287G>T on transcript NM_000490.5 (MANE Select); coding-DNA position 287, G replaced by T.
Protein change: p.Gly96Val; replaces glycine 96 with valine.
Molecular consequence: missense variant.
Genome position (GRCh38, 1-based): chr20:3,083,012, C>A on the plus strand (G>T on the coding strand, the complement: AVP is on the minus strand). VCF-style: chr20-3083012-C-A. GRCh37 (hg19) VCF-style: chr20-3063658-C-A.
Other names: G65V; c.287G>T, p.Gly96Val (LRG_715t1); short protein forms G96V.
Identifiers: ClinVar variation 12211 (VCV000012211.8), dbSNP rs121964886, ClinGen allele CA121957.